The following is an entry in ClinVar:

NM_020975.6(RET):c.1670C>T (p.Thr557Ile)

Gene: RET (ret proto-oncogene; plus strand). Cytogenetic location: 10q11.21.
Variant type: single nucleotide variant.
Coding change: c.1670C>T on transcript NM_020975.6 (MANE Select); coding-DNA position 1670, C replaced by T.
Protein change: p.Thr557Ile; replaces threonine 557 with isoleucine.
Molecular consequence: missense variant.
Genome position (GRCh38, 1-based): chr10:43,112,874, C>T. VCF-style: chr10-43112874-C-T. GRCh37 (hg19) VCF-style: chr10-43608322-C-T.
Other names: c.1670C>T, p.Thr557Ile (NM_000323.2, NM_001406743.1, NM_001406744.1 and 6 more transcripts); c.908C>T, p.Thr303Ile (NM_001355216.2); c.1541C>T, p.Thr514Ile (NM_001406761.1, NM_001406762.1, NM_001406764.1 and 1 more transcripts); c.1382C>T, p.Thr461Ile (NM_001406766.1, NM_001406767.1, NM_001406770.1); c.1274C>T, p.Thr425Ile (NM_001406769.1, NM_001406772.1); c.1232C>T, p.Thr411Ile (NM_001406771.1, NM_001406773.1); c.1145C>T, p.Thr382Ile (NM_001406774.1); c.944C>T, p.Thr315Ile (NM_001406775.1, NM_001406776.1, NM_001406777.1 and 1 more transcripts); and 5 more; short protein forms T162I, T461I, T557I, T258I, T382I, T303I, T411I, T514I.
Identifiers: ClinVar variation 1777678 (VCV001777678.2), dbSNP rs2132813609, ClinGen allele CA376551820.
Genomic context (GRCh38, chr10:43,112,874, plus strand): 5'-CTCCCACATGGGTGACAGCCTGCTGTGTGTCCTGTGCAGGGATCACCAGGAACTTCTCCA[C>T]CTGCTCTCCCAGCACCAAGACCTGCCCCGACGGCCACTGCGATGTTGTGGAGACCCAAGA-3'
Protein context (NP_066124.1, residues 547-567): DGKGITRNFS[Thr557Ile]CSPSTKTCPD

ClinVar aggregate classification (germline): Uncertain significance (1 of 4 stars; one submission).

Conditions:
Hereditary cancer-predisposing syndrome. Also called: Neoplastic Syndromes, Hereditary; Tumor predisposition; Hereditary Cancer Syndrome; Hereditary neoplastic syndrome. Identifiers: Orphanet 140162, MedGen C0027672, MeSH D009386, MONDO:0015356.

Allele frequency attached by ClinVar (database versions not stated): gnomAD exomes below 0.00001.
gnomAD v4.1: 1 of 1,614,080 alleles (0.000062%); highest among the groups gnomAD compares: Non-Finnish European, 0.000085%; no homozygotes.

Submission:

Ambry Genetics
Classification: Uncertain significance for Hereditary cancer-predisposing syndrome. Last evaluated: 2022-03-02. Review status: criteria provided, single submitter. Criteria: Ambry Variant Classification Scheme 2023. Collection method: clinical testing. Allele origin: germline.
Comment: The p.T557I variant (also known as c.1670C>T), located in coding exon 9 of the RET gene, results from a C to T substitution at nucleotide position 1670. The threonine at codon 557 is replaced by isoleucine, an amino acid with similar properties. This amino acid position is conserved. In addition, this alteration is predicted to be deleterious by in silico analysis. Since supporting evidence is limited at this time, the clinical significance of this alteration remains unclear.